The following is an entry in ClinVar:

NM_024675.4(PALB2):c.263T>C (p.Leu88Pro)

Gene: PALB2 (partner and localizer of BRCA2; minus strand). Cytogenetic location: 16p12.2.
Variant type: single nucleotide variant.
Coding change: c.263T>C on transcript NM_024675.4 (MANE Select); coding-DNA position 263, T replaced by C.
Protein change: p.Leu88Pro; replaces leucine 88 with proline.
Molecular consequence: missense variant.
Genome position (GRCh38, 1-based): chr16:23,636,283, A>G on the plus strand (T>C on the coding strand, the complement: PALB2 is on the minus strand). VCF-style: chr16-23636283-A-G. GRCh37 (hg19) VCF-style: chr16-23647604-A-G.
Other names: short protein forms L88P.
Identifiers: ClinVar variation 233224 (VCV000233224.8), dbSNP rs876660270, ClinGen allele CA10580047.
Genomic context (GRCh38, chr16:23,636,283, plus strand): 5'-TTAAAGGACTCAGGCCCAACATCAAGTGTGATAGATGTCTTTTCTCCAGTTTCTTCATCA[A>G]GATGGGTTTTGATGTGTAACTTGTCATAAACACATATTTTATTTTTAGGTTCTGAGGAGG-3'
Protein context (NP_078951.2, residues 78-98): VYDKLHIKTH[Leu88Pro]DEETGEKTSI

ClinVar aggregate classification (germline): Uncertain significance. Review status: criteria provided, multiple submitters, no conflicts (2 of 4 stars). 2 submissions from 2 submitters: Uncertain significance (2). Last evaluated 2023-11-04.

Conditions:
Familial cancer of breast. Also called: BREAST CANCER, FAMILIAL; hereditary breast carcinoma; Hereditary breast cancer. Identifiers: Orphanet 227535, MedGen C0346153, MONDO:0016419, OMIM 114480. Disease mechanism: loss of function.
Hereditary cancer-predisposing syndrome. Also called: Neoplastic Syndromes, Hereditary; Tumor predisposition; Hereditary Cancer Syndrome; Hereditary neoplastic syndrome. Identifiers: Orphanet 140162, MedGen C0027672, MeSH D009386, MONDO:0015356.

Submissions (2):

Ambry Genetics
Classification: Uncertain significance for Hereditary cancer-predisposing syndrome. Last evaluated: 2023-11-04. Review status: criteria provided, single submitter. Criteria: Ambry Variant Classification Scheme 2023. Collection method: clinical testing. Allele origin: germline.
Comment: The p.L88P variant (also known as c.263T>C), located in coding exon 4 of the PALB2 gene, results from a T to C substitution at nucleotide position 263. The leucine at codon 88 is replaced by proline, an amino acid with similar properties. This amino acid position is well conserved in available vertebrate species. In addition, this alteration is predicted to be tolerated by in silico analysis. Since supporting evidence is limited at this time, the clinical significance of this alteration remains unclear.

Labcorp Genetics (formerly Invitae), Labcorp
Classification: Uncertain significance for Familial cancer of breast. Last evaluated: 2023-05-22. Review status: criteria provided, single submitter. Criteria: Invitae Variant Classification Sherloc (09022015). Collection method: clinical testing. Allele origin: germline.
Comment: This sequence change replaces leucine, which is neutral and non-polar, with proline, which is neutral and non-polar, at codon 88 of the PALB2 protein (p.Leu88Pro). This variant is not present in population databases (gnomAD no frequency). This variant has not been reported in the literature in individuals affected with PALB2-related conditions. ClinVar contains an entry for this variant (Variation ID: 233224). An algorithm developed to predict the effect of missense changes on protein structure and function (PolyPhen-2) suggests that this variant is likely to be disruptive. In summary, the available evidence is currently insufficient to determine the role of this variant in disease. Therefore, it has been classified as a Variant of Uncertain Significance.